The following is an entry in ClinVar:

NM_020778.5(ALPK3):c.1092G>A (p.Glu364=)

Gene: ALPK3 (alpha kinase 3; plus strand). Cytogenetic location: 15q25.3.
Variant type: single nucleotide variant.
Coding change: c.1092G>A on transcript NM_020778.5 (MANE Select); coding-DNA position 1092, G replaced by A.
Protein change: p.Glu364=; no amino-acid change (glutamic acid 364 retained).
Molecular consequence: synonymous variant.
Genome position (GRCh38, 1-based): chr15:84,840,371, G>A. VCF-style: chr15-84840371-G-A. GRCh37 (hg19) VCF-style: chr15-85383602-G-A.
Other names: p.Glu566=.
Identifiers: ClinVar variation 1644488 (VCV001644488.12), dbSNP rs143928374, ClinGen allele CA7709120.
Genomic context (GRCh38, chr15:84,840,371, plus strand): 5'-CTGCATCCCCAGCTCAGACGAGCCTGACTCCTGTGGGACTCAGGGGCCCGTGGGCGTGGA[G>A]CAGGTTCAGACCCAGCCCAGAGGCAGGGCTGCACGGGGGCCTGGGTCCTCTGGCACAGAT-3'
Protein context (NP_065829.4, residues 354-374): SCGTQGPVGV[Glu364=]QVQTQPRGRA

ClinVar aggregate classification (germline): Likely benign. Review status: criteria provided, multiple submitters, no conflicts (2 of 4 stars). 4 submissions from 4 submitters: Likely benign (4). Last evaluated 2025-12-24.

Conditions:
ALPK3-related disorder. Also called: ALPK3-related condition.
Cardiovascular phenotype. Identifiers: MedGen CN230736.

Allele frequency attached by ClinVar (database versions not stated): gnomAD 0.00016 and 0.00015; ESP Exome Variant Server 0.00023; gnomAD exomes 0.00001; ExAC 0.00002; TOPMed 0.00012.
gnomAD v4.1: 32 of 1,613,566 alleles (0.002%); highest among the groups gnomAD compares: African/African-American, 0.041%; no homozygotes.

Submissions (4):

Labcorp Genetics (formerly Invitae), Labcorp
Classification: Likely benign. Last evaluated: 2025-12-24. Review status: criteria provided, single submitter. Criteria: Invitae Variant Classification Sherloc (09022015). Collection method: clinical testing. Allele origin: germline.

PreventionGenetics, part of Exact Sciences
Classification: Likely benign for ALPK3-related condition. Last evaluated: 2025-11-20. Review status: criteria provided, single submitter. Criteria: ACMG Guidelines, 2015. Collection method: clinical testing. Allele origin: germline.
Comment: This variant is classified as likely benign based on ACMG/AMP sequence variant interpretation guidelines (Richards et al. 2015 PMID: 25741868, with internal and published modifications).

Mayo Clinic Laboratories, Mayo Clinic
Classification: Likely benign. Last evaluated: 2025-04-07. Review status: criteria provided, single submitter. Criteria: ACMG Guidelines, 2015. Collection method: clinical testing. Allele origin: germline. Observed: 1 variant allele.
Comment: BP4, BP7

Ambry Genetics
Classification: Likely benign for Cardiovascular phenotype. Last evaluated: 2019-07-16. Review status: criteria provided, single submitter. Criteria: Ambry Variant Classification Scheme 2023. Collection method: clinical testing. Allele origin: germline.